The following is an entry in ClinVar:

NM_007294.4(BRCA1):c.3381T>A (p.Tyr1127Ter)

Genes: BRCA1 (BRCA1 DNA repair associated; minus strand), LOC126862571 (BRD4-independent group 4 enhancer GRCh37_chr17:41243136-41244335; plus strand). Cytogenetic location: 17q21.31.
Variant type: single nucleotide variant.
Coding change: c.3381T>A on transcript NM_007294.4 (MANE Select); coding-DNA position 3381, T replaced by A.
Protein change: p.Tyr1127Ter; replaces tyrosine 1127 with a stop codon.
Molecular consequence: nonsense. On other transcripts: intron variant (137).
Genome position (GRCh38, 1-based): chr17:43,092,150, A>T on the plus strand (T>A on the coding strand, the complement: BRCA1 is on the minus strand). VCF-style: chr17-43092150-A-T. GRCh37 (hg19) VCF-style: chr17-41244167-A-T.
Other names: c.3168T>A, p.Tyr1056Ter (NM_001407571.1, NM_001407853.1, NM_001407894.1 and 9 more transcripts); c.3381T>A, p.Tyr1127Ter (NM_001407581.1, NM_001407582.1, NM_001407583.1 and 30 more transcripts); c.3378T>A, p.Tyr1126Ter (NM_001407587.1, NM_001407590.1, NM_001407591.1 and 22 more transcripts); c.3372T>A, p.Tyr1124Ter (NM_001407646.1, NM_001407647.1); c.3258T>A, p.Tyr1086Ter (NM_001407648.1, NM_001407664.1, NM_001407665.1 and 19 more transcripts); c.3255T>A, p.Tyr1085Ter (NM_001407649.1, NM_001407670.1, NM_001407671.1 and 11 more transcripts); c.3303T>A, p.Tyr1101Ter (NM_001407653.1, NM_001407654.1, NM_001407655.1 and 4 more transcripts); c.3300T>A, p.Tyr1100Ter (NM_001407659.1, NM_001407660.1, NM_001407661.1 and 1 more transcripts); and 41 more; short protein forms Y1080*, Y1127*, Y1039*, Y1059*, Y1086*, Y999*, Y1056*, Y1060*.
Identifiers: ClinVar variation 1071282 (VCV001071282.12), dbSNP rs781319410, ClinGen allele CA10595215.

ClinVar aggregate classification (germline): Pathogenic. Review status: criteria provided, multiple submitters, no conflicts (2 of 4 stars). 2 submissions from 2 submitters: Pathogenic (2). Last evaluated 2025-05-05.

Conditions:
Hereditary cancer-predisposing syndrome. Also called: Tumor predisposition; Hereditary neoplastic syndrome; Neoplastic Syndromes, Hereditary; Hereditary Cancer Syndrome. Identifiers: Orphanet 140162, MedGen C0027672, MeSH D009386, MONDO:0015356.
Hereditary breast ovarian cancer syndrome. Also called: Hereditary breast and ovarian cancer syndrome (HBOC); Hereditary breast and/or ovarian cancer syndrome; Hereditary breast and ovarian cancer; BRCA1- and BRCA2-Associated Hereditary Breast and Ovarian Cancer; Hereditary breast and ovarian cancer syndrome; Breast and ovarian cancer. Identifiers: Orphanet 145, MedGen C0677776, MeSH D061325, MONDO:0003582. Disease mechanism: loss of function.

Submissions (2):

Labcorp Genetics (formerly Invitae), Labcorp
Classification: Pathogenic for Hereditary breast ovarian cancer syndrome. Last evaluated: 2025-05-05. Review status: criteria provided, single submitter. Criteria: Invitae Variant Classification Sherloc (09022015). Collection method: clinical testing. Allele origin: germline.
Comment: This sequence change creates a premature translational stop signal (p.Tyr1127*) in the BRCA1 gene. It is expected to result in an absent or disrupted protein product. Loss-of-function variants in BRCA1 are known to be pathogenic (PMID: 20104584). This variant is not present in population databases (gnomAD no frequency). This premature translational stop signal has been observed in individual(s) with breast and/or ovarian cancer (PMID: 29263802, 30014164). ClinVar contains an entry for this variant (Variation ID: 1071282). For these reasons, this variant has been classified as Pathogenic.

Ambry Genetics
Classification: Pathogenic for Hereditary cancer-predisposing syndrome. Last evaluated: 2024-06-28. Review status: criteria provided, single submitter. Criteria: Ambry Variant Classification Scheme 2023. Collection method: clinical testing. Allele origin: germline.
Comment: The p.Y1127* pathogenic mutation (also known as c.3381T>A), located in coding exon 9 of the BRCA1 gene, results from a T to A substitution at nucleotide position 3381. This changes the amino acid from a tyrosine to a stop codon within coding exon 9. This alteration was identified in an individual diagnosed with breast cancer (Barnes-Kedar I et al. Breast Cancer Res Treat, 2018 Nov;172:151-157). This variant is considered to be rare based on population cohorts in the Genome Aggregation Database (gnomAD). This alteration is expected to result in loss of function by premature protein truncation or nonsense-mediated mRNA decay. As such, this alteration is interpreted as a disease-causing mutation.

Literature cited by the submitters: PubMed 20104584 (cited by Labcorp Genetics (formerly Invitae), Labcorp); PubMed 29263802 (cited by Labcorp Genetics (formerly Invitae), Labcorp); PubMed 30014164 (cited by Labcorp Genetics (formerly Invitae), Labcorp and Ambry Genetics).